The following is an entry in ClinVar:

NM_002437.5(MPV17):c.31C>T (p.Leu11=)

Gene: MPV17 (mitochondrial inner membrane protein MPV17; minus strand). Cytogenetic location: 2p23.3.
Variant type: single nucleotide variant.
Coding change: c.31C>T on transcript NM_002437.5 (MANE Select); coding-DNA position 31, C replaced by T.
Protein change: p.Leu11=; no amino-acid change (leucine 11 retained).
Molecular consequence: synonymous variant.
Genome position (GRCh38, 1-based): chr2:27,322,487, G>A on the plus strand (C>T on the coding strand, the complement: MPV17 is on the minus strand). VCF-style: chr2-27322487-G-A. GRCh37 (hg19) VCF-style: chr2-27545354-G-A.
Other names: c.31C>T (NM_002437.4).
Identifiers: ClinVar variation 497955 (VCV000497955.17), dbSNP rs540291444, ClinGen allele CA1575724.

ClinVar aggregate classification (germline): Conflicting classifications of pathogenicity. Review status: criteria provided, conflicting classifications (1 of 4 stars). 4 submissions from 4 submitters: Uncertain significance (1); Likely benign (1). 2 of the submissions do not count toward it. Last evaluated 2025-01-27.

Conditions:
MPV17-related disorder. Also called: MPV17-related condition; MPV17-related disorders. Identifiers: MedGen CN239328.
Mitochondrial DNA depletion syndrome 15 (hepatocerebral type) (MTDPS15). Also called: Hepatocerebral Mitochondrial DNA Depletion Syndrome. Identifiers: MedGen C4310690, MONDO:0014943, OMIM 617156.

Allele frequency attached by ClinVar (database versions not stated): gnomAD exomes 0.00005; ExAC 0.00006; TOPMed 0.00015; 1000 Genomes Project 0.00020; gnomAD 0.00020 and 0.00021; 1000 Genomes Project 30x 0.00031.
gnomAD v4.1: 46 of 1,614,074 alleles (0.0028%); highest among the groups gnomAD compares: African/African-American, 0.059%; no homozygotes.

Submissions (4):

Labcorp Genetics (formerly Invitae), Labcorp
Classification: Likely benign. Last evaluated: 2025-01-27. Review status: criteria provided, single submitter. Criteria: Invitae Variant Classification Sherloc (09022015). Collection method: clinical testing. Allele origin: germline.

Eurofins Ntd Llc (ga)
Classification: Uncertain significance. Last evaluated: 2018-07-09. Review status: criteria provided, single submitter. Criteria: EGL ClinVar v180209 classification definitions. Collection method: clinical testing. Allele origin: germline. Observed: 4 variant alleles, 4 heterozygotes.

Natera, Inc.
Classification: Likely benign for Mitochondrial DNA depletion syndrome, hepatocerebral form. Last evaluated: 2020-11-03. Review status: no assertion criteria provided. Collection method: clinical testing. Allele origin: germline. Not counted in ClinVar's aggregate classification.

PreventionGenetics, part of Exact Sciences
Classification: Likely benign for MPV17-related condition. Last evaluated: 2020-02-18. Review status: no assertion criteria provided. Collection method: clinical testing. Allele origin: germline. Not counted in ClinVar's aggregate classification.
Comment: This variant is classified as likely benign based on ACMG/AMP sequence variant interpretation guidelines (Richards et al. 2015 PMID: 25741868, with internal and published modifications).